The following is an entry in ClinVar:

NM_000388.4(CASR):c.670G>A (p.Glu224Lys)

Gene: CASR (calcium sensing receptor; plus strand). Cytogenetic location: 3q21.1.
Variant type: single nucleotide variant.
Coding change: c.670G>A on transcript NM_000388.4 (MANE Select); coding-DNA position 670, G replaced by A.
Protein change: p.Glu224Lys; replaces glutamic acid 224 with lysine.
Molecular consequence: missense variant.
Genome position (GRCh38, 1-based): chr3:122,261,705, G>A. VCF-style: chr3-122261705-G-A. GRCh37 (hg19) VCF-style: chr3-121980552-G-A.
Other names: c.670G>A, p.Glu224Lys (NM_001178065.2); short protein forms E224K.
Identifiers: ClinVar variation 4784348 (VCV004784348.1).

ClinVar aggregate classification (germline): Uncertain significance (1 of 4 stars; one submission).

Conditions:
Autosomal dominant hypocalcemia 1 (HYPOC1). Also called: HYPOCALCEMIA, FAMILIAL. Identifiers: MedGen C3715128, MONDO:0011013, OMIM 601198.
Familial hypocalciuric hypercalcemia (FHH). Also called: Familial benign hypercalcemia. Identifiers: Orphanet 405, MedGen C1809471, MONDO:0018458.

Submission:

Labcorp Genetics (formerly Invitae), Labcorp
Classification: Uncertain significance for Familial hypocalciuric hypercalcemia; Autosomal dominant hypocalcemia 1. Last evaluated: 2025-03-05. Review status: criteria provided, single submitter. Criteria: Invitae Variant Classification Sherloc (09022015). Collection method: clinical testing. Allele origin: germline.
Comment: This sequence change replaces glutamic acid, which is acidic and polar, with lysine, which is basic and polar, at codon 224 of the CASR protein (p.Glu224Lys). This variant is not present in population databases (gnomAD no frequency). This variant has not been reported in the literature in individuals affected with CASR-related conditions. An algorithm developed to predict the effect of missense changes on protein structure and function (PolyPhen-2) suggests that this variant is likely to be disruptive. In summary, the available evidence is currently insufficient to determine the role of this variant in disease. Therefore, it has been classified as a Variant of Uncertain Significance.